The following is an entry in ClinVar:

ClinVar aggregate classification (germline): Benign. Review status: criteria provided, multiple submitters, no conflicts (2 of 4 stars). 5 submissions from 5 submitters: Benign (5). Last evaluated 2026-05-18.

Conditions:
Hereditary spastic paraplegia 45. Also called: Spastic paraplegia 45, autosomal recessive; SPASTIC PARAPLEGIA 45. Identifiers: Orphanet 320396, MedGen C3888209, MONDO:0013165, OMIM 613162.
Hereditary spastic paraplegia. Also called: Familial spastic paraparesis. Identifiers: Orphanet 685, MedGen C0037773, MONDO:0019064. Disease mechanism: loss of function.

Allele frequency attached by ClinVar (database versions not stated): gnomAD 0.09743 and 0.10388; TOPMed 0.10682; gnomAD exomes 0.12598; 1000 Genomes Project 30x 0.15662; 1000 Genomes Project 0.16074.
gnomAD v4.1: 31,523 of 277,202 alleles (11%); highest among the groups gnomAD compares: East Asian, 26%; 2,299 homozygotes.

Submissions (5):

Revvity Omics, Revvity
Classification: Benign. Last evaluated: 2026-05-18. Review status: criteria provided, single submitter. Criteria: ACMG Guidelines, 2015. Collection method: clinical testing. Allele origin: germline.

Labcorp Genetics (formerly Invitae), Labcorp
Classification: Benign for Hereditary spastic paraplegia 45. Last evaluated: 2026-01-12. Review status: criteria provided, single submitter. Criteria: Invitae Variant Classification Sherloc (09022015). Collection method: clinical testing. Allele origin: germline.

Genome Diagnostics Laboratory, The Hospital for Sick Children
Classification: Benign for Hereditary spastic paraplegia. Last evaluated: 2020-11-18. Review status: criteria provided, single submitter. Criteria: ACMG Guidelines, 2015. Collection method: clinical testing. Allele origin: germline. Affected: yes.

GeneDx
Classification: Benign. Last evaluated: 2018-06-26. Review status: criteria provided, single submitter. Criteria: GeneDx Variant Classification Process June 2021. Collection method: clinical testing. Allele origin: germline. Affected: yes.
Comment: This variant is associated with the following publications: (PMID: 25814643)

Breakthrough Genomics
Classification: Benign. Review status: criteria provided, single submitter. Criteria: ACMG Guidelines, 2015. Collection method: not provided. Allele origin: germline. Inheritance: Autosomal recessive inheritance. Affected: yes.

NM_017649.5(CNNM2):c.*12179G>C

Genes: CNNM2 (cyclin and CBS domain divalent metal cation transport mediator 2; plus strand), NT5C2 (5'-nucleotidase, cytosolic II; minus strand). Cytogenetic location: 10q24.32.
Variant type: single nucleotide variant.
Coding change: c.*12179G>C on transcript NM_017649.5 (MANE Select); 12179 bases downstream of the stop codon, G replaced by C.
Molecular consequence: 3 prime UTR variant.
Genome position (GRCh38, 1-based): chr10:103,089,359, G>C. VCF-style: chr10-103089359-G-C. GRCh37 (hg19) VCF-style: chr10-104849116-G-C.
Other names: c.*313C>G (NM_001134373.3, NM_001351169.2, NM_001351170.2 and 28 more transcripts); c.*12179G>C (NM_199076.3).
Identifiers: ClinVar variation 1168446 (VCV001168446.13), dbSNP rs10786736, ClinGen allele CA16400233.
Genomic context (GRCh38, chr10:103,089,359, plus strand): 5'-GATCACCTCTTCCCACTCTTTGTTCCACTCTGAGACTCTTTCCTTTTCCTCGTGTATCCA[G>C]ATACACTGACATACGGATGATTTTAAAAGTGTCACAAGCCACAGTGGAGCCATATACATG-3'